The following is an entry in ClinVar:

NM_006005.3(WFS1):c.726C>T (p.Ile242=)

Gene: WFS1 (wolframin ER transmembrane glycoprotein; plus strand). Cytogenetic location: 4p16.1.
Variant type: single nucleotide variant.
Coding change: c.726C>T on transcript NM_006005.3 (MANE Select); coding-DNA position 726, C replaced by T.
Protein change: p.Ile242=; no amino-acid change (isoleucine 242 retained).
Molecular consequence: synonymous variant.
Genome position (GRCh38, 1-based): chr4:6,295,054, C>T. VCF-style: chr4-6295054-C-T. GRCh37 (hg19) VCF-style: chr4-6296781-C-T.
Other names: c.726C>T, p.Ile242= (NM_001145853.1).
Identifiers: ClinVar variation 501588 (VCV000501588.23), dbSNP rs71524381, ClinGen allele CA2839039.

ClinVar aggregate classification (germline): Conflicting classifications of pathogenicity. Review status: criteria provided, conflicting classifications (1 of 4 stars). 7 submissions from 7 submitters: Uncertain significance (1); Benign (1); Likely benign (3). 2 of the submissions do not count toward it. Last evaluated 2026-02-01.

Conditions:
Wolfram syndrome 1 (WFS1). Identifiers: Orphanet 3463, MedGen C4551693, MONDO:0009101, OMIM 222300.

Allele frequency attached by ClinVar (database versions not stated): TOPMed 0.00006; ExAC 0.00007; gnomAD 0.00007.
gnomAD v4.1: 124 of 1,613,436 alleles (0.0077%); highest among the groups gnomAD compares: Middle Eastern, 0.016%; no homozygotes.

Submissions (7):

Labcorp Genetics (formerly Invitae), Labcorp
Classification: Likely benign. Last evaluated: 2026-02-01. Review status: criteria provided, single submitter. Criteria: Invitae Variant Classification Sherloc (09022015). Collection method: clinical testing. Allele origin: germline.

Blueprint Genetics
Classification: Likely benign. Last evaluated: 2024-11-04. Review status: criteria provided, single submitter. Criteria: ACMG Guidelines, 2015. Collection method: clinical testing. Allele origin: germline.

GeneDx
Classification: Likely benign. Last evaluated: 2020-11-15. Review status: criteria provided, single submitter. Criteria: GeneDx Variant Classification Process June 2021. Collection method: clinical testing. Allele origin: germline. Affected: yes.
Comment: This variant is associated with the following publications: (PMID: 20028947)

Eurofins Ntd Llc (ga)
Classification: Uncertain significance. Last evaluated: 2017-05-01. Review status: criteria provided, single submitter. Criteria: EGL Classification Definitions 2015. Collection method: clinical testing. Allele origin: germline. Observed: 1 variant allele, 1 heterozygote.

Clinical Genomics, Uppaluri K&H Personalized Medicine Clinic
Classification: Benign for Wolfram syndrome 1. Review status: criteria provided, single submitter. Criteria: K & H Uppaluri Personalized Medicine Clinic Variant Classification & Assertion Criteria_Updated V.1. Collection method: research. Allele origin: unknown. Inheritance: Autosomal recessive inheritance.
Comment: Potent mutations in WFS1 gene are associated with Wolfram's syndrome, an autosomal recessive condition, which cause diabetes mellitus, diabetes insipidus, deafness and optic atrophy.However no sufficient evidence is found to ascertain the role of this particular variant rs71524381 in Wolfram's syndrome yet.

Clinical Genetics DNA and cytogenetics Diagnostics Lab, Erasmus MC, Erasmus Medical Center
Classification: Likely benign. Review status: no assertion criteria provided. Collection method: clinical testing. Allele origin: germline. Affected: yes. Study: VKGL Data-share Consensus. Not counted in ClinVar's aggregate classification.

Laboratory of Diagnostic Genome Analysis, Leiden University Medical Center (LUMC)
Classification: Likely benign. Review status: no assertion criteria provided. Collection method: clinical testing. Allele origin: germline. Affected: yes. Study: VKGL Data-share Consensus. Not counted in ClinVar's aggregate classification.

Literature cited by the submitters: PubMed 20738327 (cited by Clinical Genomics, Uppaluri K&H Personalized Medicine Clinic); PubMed 33879153 (cited by Clinical Genomics, Uppaluri K&H Personalized Medicine Clinic); PubMed 12955714 (cited by Clinical Genomics, Uppaluri K&H Personalized Medicine Clinic); PubMed 18060660 (cited by Clinical Genomics, Uppaluri K&H Personalized Medicine Clinic); PubMed 20301750 (cited by Clinical Genomics, Uppaluri K&H Personalized Medicine Clinic); PubMed 17603484 (cited by Clinical Genomics, Uppaluri K&H Personalized Medicine Clinic).